The following is an entry in ClinVar:

NM_147196.3(TMIE):c.390_393delinsA (p.Lys131del)

Gene: TMIE (transmembrane inner ear; plus strand). Cytogenetic location: 3p21.31.
Variant type: Indel.
Coding change: c.390_393delinsA on transcript NM_147196.3 (MANE Select); coding-DNA positions 390 to 393, GAAG replaced by A.
Protein change: p.Lys131del; deletes lysine 131.
Molecular consequence: inframe deletion.
Genome position (GRCh38, 1-based): chr3:46,709,607-46,709,610, GAAG replaced by A. VCF-style: chr3-46709607-GAAG-A. GRCh37 (hg19) VCF-style: chr3-46751097-GAAG-A.
Other names: c.231_234delinsA, p.Lys78del (NM_001370524.1, NM_001370525.1); short protein forms K131del, K78del.
Identifiers: ClinVar variation 4984092 (VCV004984092.1).
Genomic context (GRCh38, chr3:46,709,607, plus strand): 5'-CTATCACATGGTCTCTTCCCCCTGCCCCACAGAGGATAAGAAGAAGAAGAAGAAGAAGAA[GAAG>A]GACAGTGTGGACACAGTGGCCATCAAAGTAGAGGAGGATGAGAAGAATGAGGCCAAGAAG-3'

ClinVar aggregate classification (germline): Uncertain significance (1 of 4 stars; one submission).

Conditions:
TMIE-related disorder. Also called: TMIE-related condition.

Submission:

PreventionGenetics, part of Exact Sciences
Classification: Uncertain significance for TMIE-related condition. Last evaluated: 2026-07-06. Review status: criteria provided, single submitter. Criteria: ACMG Guidelines, 2015. Collection method: clinical testing. Allele origin: germline.
Comment: The TMIE c.390_393delinsA variant is predicted to result in an in-frame deletion and insertion. To our knowledge, this variant has not been reported in the literature or in a large population database (gnomAD), indicating this variant is rare. At this time, the clinical significance of this variant is uncertain due to the absence of conclusive functional and genetic evidence.